The following is an entry in ClinVar:

ClinVar aggregate classification (germline): Benign. Review status: criteria provided, multiple submitters, no conflicts (2 of 4 stars). 2 submissions from 2 submitters: Benign (2). Last evaluated 2018-06-14.

Allele frequency attached by ClinVar (database versions not stated): 1000 Genomes Project 30x 0.09744; 1000 Genomes Project 0.09784; gnomAD 0.10659; TOPMed 0.11254.

Submissions (2):

GeneDx
Classification: Benign. Last evaluated: 2018-06-14. Review status: criteria provided, single submitter. Criteria: GeneDx Variant Classification (06012015). Collection method: clinical testing. Allele origin: germline. Affected: yes.
Comment: This variant is considered likely benign or benign based on one or more of the following criteria: it is a conservative change, it occurs at a poorly conserved position in the protein, it is predicted to be benign by multiple in silico algorithms, and/or has population frequency not consistent with disease.

Breakthrough Genomics
Classification: Benign. Review status: criteria provided, single submitter. Criteria: ACMG Guidelines, 2015. Collection method: not provided. Allele origin: germline. Inheritance: Autosomal recessive inheritance. Affected: yes.

NM_004086.3(COCH):c.-23-83A>G

Gene: COCH (cochlin; plus strand). Cytogenetic location: 14q12.
Variant type: single nucleotide variant.
Coding change: c.-23-83A>G on transcript NM_004086.3 (MANE Select); 83 bases into the intron before 23 bases upstream of the start codon, A replaced by G.
Molecular consequence: intron variant. On other transcripts: 5 prime UTR variant (2).
Genome position (GRCh38, 1-based): chr14:30,874,833, A>G. VCF-style: chr14-30874833-A-G. GRCh37 (hg19) VCF-style: chr14-31344039-A-G.
Other names: c.-106A>G (NM_001135058.2, NM_001347720.2).
Identifiers: ClinVar variation 682803 (VCV000682803.2), dbSNP rs11555426, ClinGen allele CA14057596.